The following is an entry in ClinVar:

NM_004341.5(CAD):c.4230C>T (p.Thr1410=)

Gene: CAD (carbamoyl-phosphate synthetase 2, aspartate transcarbamylase, and dihydroorotase; plus strand). Cytogenetic location: 2p23.3.
Variant type: single nucleotide variant.
Coding change: c.4230C>T on transcript NM_004341.5 (MANE Select); coding-DNA position 4230, C replaced by T.
Protein change: p.Thr1410=; no amino-acid change (threonine 1410 retained).
Molecular consequence: synonymous variant.
Genome position (GRCh38, 1-based): chr2:27,236,439, C>T. VCF-style: chr2-27236439-C-T. GRCh37 (hg19) VCF-style: chr2-27459307-C-T.
Other names: c.4041C>T, p.Thr1347= (NM_001306079.2).
Identifiers: ClinVar variation 733478 (VCV000733478.48), dbSNP rs147653891, ClinGen allele CA1573463.

ClinVar aggregate classification (germline): Likely benign. Review status: criteria provided, multiple submitters, no conflicts (2 of 4 stars). 4 submissions from 4 submitters: Likely benign (4). Last evaluated 2026-02-04.

Allele frequency attached by ClinVar (database versions not stated): 1000 Genomes Project 30x 0.00047; 1000 Genomes Project 0.00060; ExAC 0.00074; gnomAD exomes 0.00076 and 0.00105; gnomAD 0.00086; TOPMed 0.00101; ESP Exome Variant Server 0.00146.
gnomAD v4.1: 1,687 of 1,614,184 alleles (0.1%); highest among the groups gnomAD compares: Non-Finnish European, 0.13%; 2 homozygotes.

Submissions (4):

Labcorp Genetics (formerly Invitae), Labcorp
Classification: Likely benign. Last evaluated: 2026-02-04. Review status: criteria provided, single submitter. Criteria: Invitae Variant Classification Sherloc (09022015). Collection method: clinical testing. Allele origin: germline.

CeGaT Center for Human Genetics Tuebingen
Classification: Likely benign. Last evaluated: 2025-05-01. Review status: criteria provided, single submitter. Criteria: CeGaT Center For Human Genetics Tuebingen Variant Classification Criteria Version 2. Collection method: clinical testing. Allele origin: germline. Affected: yes. Observed: 9 variant alleles.
Comment: CAD: BP4, BP7

Laboratory of Genetics, Children's Clinical University Hospital Latvia
Classification: Likely benign. Last evaluated: 2025-02-16. Review status: criteria provided, single submitter. Criteria: ACMG Guidelines, 2015. Collection method: clinical testing. Allele origin: germline. Affected: yes.

Blueprint Genetics
Classification: Likely benign. Last evaluated: 2024-10-28. Review status: criteria provided, single submitter. Criteria: ACMG Guidelines, 2015. Collection method: clinical testing. Allele origin: germline.